The following is an entry in ClinVar:

NM_001953.5(TYMP):c.1253G>C (p.Gly418Ala)

Genes: SCO2 (synthesis of cytochrome C oxidase 2; minus strand), TYMP (thymidine phosphorylase; minus strand), LOC130067862 (ATAC-STARR-seq lymphoblastoid silent region 13986; plus strand). Cytogenetic location: 22q13.33.
Variant type: single nucleotide variant.
Coding change: c.1253G>C on transcript NM_001953.5 (MANE Select); coding-DNA position 1253, G replaced by C.
Protein change: p.Gly418Ala; replaces glycine 418 with alanine.
Molecular consequence: missense variant. On other transcripts: 5 prime UTR variant (1), intron variant (1).
Genome position (GRCh38, 1-based): chr22:50,526,048, C>G on the plus strand (G>C on the coding strand, the complement: TYMP is on the minus strand). VCF-style: chr22-50526048-C-G. GRCh37 (hg19) VCF-style: chr22-50964477-C-G.
Other names: c.1253G>C, p.Gly418Ala (NM_001113755.3, NM_001113756.3, NM_001257988.1); c.1268G>C, p.Gly423Ala (NM_001257989.1); c.-61G>C (NM_001169110.1); c.-14+198G>C (NM_001169109.2); short protein forms G418A, G423A.
Identifiers: ClinVar variation 1163690 (VCV001163690.9), dbSNP rs1331363227, ClinGen allele CA412196844.
Genomic context (GRCh38, chr22:50,526,048, plus strand): 5'-GGGCGGCGCTCACCACGGCGCAGCCTCTGACCCACGTCGACCAGCAGCTCTGCGCCCACC[C>G]CCAGGCGGAGCGGCTCCCCAGCGCGGCTGCGCCCGGCCCCGAGCTCGTGCAGCACCAGCG-3'
Protein context (NP_001944.1, residues 408-428): RSRAGEPLRL[Gly418Ala]VGAELLVDVG

ClinVar aggregate classification (germline): Uncertain significance. Review status: criteria provided, multiple submitters, no conflicts (2 of 4 stars). 2 submissions from 2 submitters: Uncertain significance (2). Last evaluated 2022-06-20.

Allele frequency attached by ClinVar (database versions not stated): TOPMed below 0.00001; gnomAD 0.00001.
gnomAD v4.1: 6 of 1,482,016 alleles (0.0004%); highest among the groups gnomAD compares: African/African-American, 0.0015%; no homozygotes.

Submissions (2):

Labcorp Genetics (formerly Invitae), Labcorp
Classification: Uncertain significance. Last evaluated: 2022-06-20. Review status: criteria provided, single submitter. Criteria: Invitae Variant Classification Sherloc (09022015). Collection method: clinical testing. Allele origin: germline.
Comment: This sequence change replaces glycine, which is neutral and non-polar, with alanine, which is neutral and non-polar, at codon 418 of the TYMP protein (p.Gly418Ala). This variant is present in population databases (no rsID available, gnomAD 0.01%). This variant has not been reported in the literature in individuals affected with TYMP-related conditions. ClinVar contains an entry for this variant (Variation ID: 1163690). Advanced modeling of protein sequence and biophysical properties (such as structural, functional, and spatial information, amino acid conservation, physicochemical variation, residue mobility, and thermodynamic stability) performed at Invitae indicates that this missense variant is not expected to disrupt TYMP protein function. In summary, the available evidence is currently insufficient to determine the role of this variant in disease. Therefore, it has been classified as a Variant of Uncertain Significance.

Mayo Clinic Laboratories, Mayo Clinic
Classification: Uncertain significance. Last evaluated: 2020-09-16. Review status: criteria provided, single submitter. Criteria: ACMG Guidelines, 2015. Collection method: clinical testing. Allele origin: germline. Observed: 1 variant allele.